The following is an entry in ClinVar:

ClinVar aggregate classification (germline): Uncertain significance. Review status: criteria provided, multiple submitters, no conflicts (2 of 4 stars). 3 submissions from 3 submitters: Uncertain significance (3). Last evaluated 2025-10-08.

Conditions:
Hereditary cancer-predisposing syndrome. Also called: Hereditary Cancer Syndrome; Hereditary neoplastic syndrome; Neoplastic Syndromes, Hereditary; Tumor predisposition. Identifiers: Orphanet 140162, MedGen C0027672, MeSH D009386, MONDO:0015356.
Hereditary nonpolyposis colorectal neoplasms. Identifiers: MedGen C0009405, MeSH D003123.
Lynch syndrome. Identifiers: Orphanet 144, MedGen C4552100, MONDO:0005835. Disease mechanism: loss of function.

Submissions (3):

Labcorp Genetics (formerly Invitae), Labcorp
Classification: Uncertain significance for Hereditary nonpolyposis colorectal neoplasms. Last evaluated: 2025-10-08. Review status: criteria provided, single submitter. Criteria: Invitae Variant Classification Sherloc (09022015). Collection method: clinical testing. Allele origin: germline.
Comment: This sequence change replaces cysteine, which is neutral and slightly polar, with phenylalanine, which is neutral and non-polar, at codon 196 of the MSH6 protein (p.Cys196Phe). This variant is not present in population databases (gnomAD no frequency). This variant has not been reported in the literature in individuals affected with MSH6-related conditions. ClinVar contains an entry for this variant (Variation ID: 1692267). Invitae Evidence Modeling of protein sequence and biophysical properties (such as structural, functional, and spatial information, amino acid conservation, physicochemical variation, residue mobility, and thermodynamic stability) indicates that this missense variant is not expected to disrupt MSH6 protein function with a negative predictive value of 95%. In summary, the available evidence is currently insufficient to determine the role of this variant in disease. Therefore, it has been classified as a Variant of Uncertain Significance.

All of Us Research Program, National Institutes of Health
Classification: Uncertain significance for Lynch syndrome. Last evaluated: 2023-12-18. Review status: criteria provided, single submitter. Criteria: ACMG Guidelines, 2015. Collection method: clinical testing. Allele origin: germline. Inheritance: Autosomal dominant inheritance. Observed: 1 variant allele, 1 heterozygote.
Comment: This missense variant replaces cysteine with phenylalanine at codon 196 of the MSH6 protein. Computational prediction suggests that this variant may not impact protein structure and function (internally defined REVEL score threshold <= 0.5, PMID: 27666373). To our knowledge, functional studies have not been reported for this variant. This variant has not been reported in individuals affected with MSH6-related disorders in the literature. This variant has not been identified in the general population by the Genome Aggregation Database (gnomAD). The available evidence is insufficient to determine the role of this variant in disease conclusively. Therefore, this variant is classified as a Variant of Uncertain Significance.

This study involves interpretation of variants in research participants for the purpose of population health screening. Participant phenotype was not available at the time of variant classification. Additional details can be found in publication PMID: 35346344, PMCID: PMC8962531

Sema4
Classification: Uncertain significance for Hereditary cancer-predisposing syndrome. Last evaluated: 2021-11-09. Review status: criteria provided, single submitter. Criteria: Sema4 Curation Guidelines. Collection method: curation. Allele origin: germline.
Comment: To the best of our knowledge, the MSH6 c.587G>T (p.C196F) variant has not been reported in individuals with MSH6-related disease. It was not observed in the large and broad cohorts of the Genome Aggregation Database. The variant has not been reported in ClinVar. Functional studies have not been performed, and in silico predictions of the variant's effect on protein function are inconclusive. The evidence is insufficient to meet ACMG/AMP criteria for classifying the variant as benign or pathogenic. Thus, the clinical significance of this variant is currently uncertain.

NM_000179.3(MSH6):c.587G>T (p.Cys196Phe)

Gene: MSH6 (mutS homolog 6; plus strand). Cytogenetic location: 2p16.3.
Variant type: single nucleotide variant.
Coding change: c.587G>T on transcript NM_000179.3 (MANE Select); coding-DNA position 587, G replaced by T.
Protein change: p.Cys196Phe; replaces cysteine 196 with phenylalanine.
Molecular consequence: missense variant. On other transcripts: 5 prime UTR variant (1), intron variant (2).
Genome position (GRCh38, 1-based): chr2:47,796,023, G>T. VCF-style: chr2-47796023-G-T. GRCh37 (hg19) VCF-style: chr2-48023162-G-T.
Other names: c.-316G>T (NM_001281494.2); c.-279-2588G>T (NM_001281493.2); c.238-2588G>T (NM_001281492.2); short protein forms C196F.
Identifiers: ClinVar variation 1692267 (VCV001692267.6), dbSNP rs78939940, ClinGen allele CA46703391.
Genomic context (GRCh38, chr2:47,796,023, plus strand): 5'-TGCAACGTGCAGATGAAGCCTTAAATAAAGACAAGATTAAGAGGCTTGAATTGGCAGTTT[G>T]TGATGAGCCCTCAGAGCCAGAAGAGGAAGAAGAGATGGAGGTGGGACACGGCAAGCATTC-3'
Protein context (NP_000170.1, residues 186-206): DKIKRLELAV[Cys196Phe]DEPSEPEEEE